The following is an entry in ClinVar:

ClinVar aggregate classification (germline): Pathogenic (1 of 4 stars; one submission).

Conditions:
Inborn genetic diseases. Identifiers: MedGen C0950123, MeSH D030342.

Submission:

Ambry Genetics
Classification: Pathogenic for Inborn genetic diseases. Last evaluated: 2025-06-06. Review status: criteria provided, single submitter. Criteria: Ambry Variant Classification Scheme 2023. Collection method: clinical testing. Allele origin: germline.
Comment: The c.3564delC (p.V1189Wfs*113) alteration, located in exon 15 (coding exon 15) of the CIC gene, consists of a deletion of one nucleotide at position 3564, causing a translational frameshift with a predicted alternate stop codon after 113 amino acids. This alteration is expected to result in loss of function by premature protein truncation or nonsense-mediated mRNA decay. This variant was not reported in population-based cohorts in the Genome Aggregation Database (gnomAD). Based on the available evidence, this alteration is classified as pathogenic.

NM_001386298.1(CIC):c.6291del (p.Val2098fs)

Gene: CIC (capicua transcriptional repressor; plus strand). Cytogenetic location: 19q13.2.
Variant type: Deletion.
Coding change: c.6291del on transcript NM_001386298.1 (MANE Select); coding-DNA position 6291, one base deleted (C; older notation c.6291delC).
Protein change: p.Val2098fs; shifts the reading frame from valine 2098.
Molecular consequence: frameshift variant.
Genome position (GRCh38, 1-based): chr19:42,293,050, C deleted; the last of 3 consecutive C bases (chr19:42,293,048-42,293,050); deleting any one gives the same sequence. VCF-style (leftmost placement, unchanged base first): chr19-42293047-TC-T. GRCh37 (hg19) VCF-style: chr19-42797199-TC-T.
Other names: c.6291del, p.Val2098fs (NM_001304815.2, NM_001379482.1); c.6288del, p.Val2097fs (NM_001379480.1); c.3564del, p.Val1189fs (NM_001379484.1, NM_001379485.1, NM_015125.5); short protein forms V1189fs, V2097fs, V2098fs.
Identifiers: ClinVar variation 4002955 (VCV004002955.1).
Genomic context (GRCh38, chr19:42,293,047, plus strand): 5'-CAAGGCCCAGCGGCCCAGCCCGAAGGCCCCCCAGAAAGTGAAGGCAGCCATCGCCAGCAT[TC>T]CCGTGGGGTCCTTTGAGGCAGGTGCCTCTGGGCGGCCTGGCCCTGCACCCCGGCAGCCTC-3'